The following is an entry in ClinVar:

ClinVar aggregate classification (germline): Pathogenic. Review status: criteria provided, multiple submitters, no conflicts (2 of 4 stars). 2 submissions from 2 submitters: Pathogenic (2). Last evaluated 2024-02-09.

Conditions:
Roberts-SC phocomelia syndrome (RBS). Also called: LONG BONE DEFICIENCIES ASSOCIATED WITH CLEFT LIP-PALATE; ESCO2 Spectrum Disorder; Hypomelia hypotrichosis facial hemangioma syndrome; Pseudothalidomide syndrome; Appelt-Gerken-Lenz syndrome. Identifiers: Orphanet 3103, MedGen C0392475, MONDO:0100253, OMIM 268300.
Juberg-Hayward syndrome (JHS). Also called: OROCRANIODIGITAL SYNDROME; Cleft lip/palate with abnormal thumbs and microcephaly. Identifiers: Orphanet 2319, MedGen C0796099, MONDO:0008992, OMIM 216100.

Submissions (2):

Clinical Genomics Laboratory, Washington University in St. Louis
Classification: Pathogenic for Juberg-Hayward syndrome; Roberts-SC phocomelia syndrome. Last evaluated: 2024-02-09. Review status: criteria provided, single submitter. Criteria: ACMG Guidelines, 2015. Collection method: clinical testing. Allele origin: germline.
Comment: The ESCO2 c.417del (p.Lys139Asnfs*6) variant has been reported in the homozygous state in an individual with Baller-Gerold syndrome (Colombo EA et al., PMID: 31192177). This variant has been reported in the ClinVar database as a germline pathogenic variant by one submitter. This variant is absent from the general population (gnomAD v.2.1.1), indicating it is not a common variant. This variant causes a frameshift by deleting a single nucleotide, leading to a premature termination codon, which is predicted to lead to nonsense mediated decay. Additionally, other variants in this region causing a premature termination codon have been described in affected individuals and are considered pathogenic (Vega H et al., PMID: 15821733). Based on available information and the ACMG/AMP guidelines for variant interpretation (Richards S et al., PMID: 25741868), this variant is classified as pathogenic.

Labcorp Genetics (formerly Invitae), Labcorp
Classification: Pathogenic. Last evaluated: 2021-11-15. Review status: criteria provided, single submitter. Criteria: Invitae Variant Classification Sherloc (09022015). Collection method: clinical testing. Allele origin: germline.
Comment: For these reasons, this variant has been classified as Pathogenic. This premature translational stop signal has been observed in individual(s) with Roberts syndrome (PMID: 31192177). This variant is not present in population databases (gnomAD no frequency). This sequence change creates a premature translational stop signal (p.Lys139Asnfs*6) in the ESCO2 gene. It is expected to result in an absent or disrupted protein product. Loss-of-function variants in ESCO2 are known to be pathogenic (PMID: 15821733, 16380922).

Literature cited by the submitters: PubMed 31192177 (cited by Labcorp Genetics (formerly Invitae), Labcorp); PubMed 15821733 (cited by Labcorp Genetics (formerly Invitae), Labcorp); PubMed 16380922 (cited by Labcorp Genetics (formerly Invitae), Labcorp).

NM_001017420.3(ESCO2):c.417del (p.Lys139fs)

Gene: ESCO2 (establishment of sister chromatid cohesion N-acetyltransferase 2; plus strand). Cytogenetic location: 8p21.1.
Variant type: Deletion.
Coding change: c.417del on transcript NM_001017420.3 (MANE Select); coding-DNA position 417, one base deleted (A; older notation c.417delA).
Protein change: p.Lys139fs; shifts the reading frame from lysine 139.
Molecular consequence: frameshift variant.
Genome position (GRCh38, 1-based): chr8:27,776,725, A deleted; the last of 6 consecutive A bases (chr8:27,776,720-27,776,725); deleting any one gives the same sequence. VCF-style (leftmost placement, unchanged base first): chr8-27776719-CA-C. GRCh37 (hg19) VCF-style: chr8-27634236-CA-C.
Other names: short protein forms K139fs.
Identifiers: ClinVar variation 1457768 (VCV001457768.7), dbSNP rs80359848, ClinGen allele CA1139769812.
Genomic context (GRCh38, chr8:27,776,719, plus strand): 5'-ATCTTTTCCCATTGTGACAGAAAAAATGCAAGGAAAACCAGTCTGCTCCAAGAAGAACAA[CA>C]AAAAACCACAGAAGAGTTTAACTGCTAAGTATCAACCAAAGTATAGACACATCAAGCCTG-3'